The following is an entry in ClinVar:

ClinVar aggregate classification (germline): Uncertain significance (1 of 4 stars; one submission).

Submission:

Labcorp Genetics (formerly Invitae), Labcorp
Classification: Uncertain significance. Last evaluated: 2022-03-31. Review status: criteria provided, single submitter. Criteria: Invitae Variant Classification Sherloc (09022015). Collection method: clinical testing. Allele origin: germline.
Comment: In summary, the available evidence is currently insufficient to determine the role of this variant in disease. Therefore, it has been classified as a Variant of Uncertain Significance. Algorithms developed to predict the effect of missense changes on protein structure and function (SIFT, PolyPhen-2, Align-GVGD) all suggest that this variant is likely to be disruptive. This variant has not been reported in the literature in individuals affected with DSCAML1-related conditions. This variant is not present in population databases (gnomAD no frequency). This sequence change replaces glycine, which is neutral and non-polar, with aspartic acid, which is acidic and polar, at codon 775 of the DSCAML1 protein (p.Gly775Asp).

NM_020693.4(DSCAML1):c.2144G>A (p.Gly715Asp)

Gene: DSCAML1 (DS cell adhesion molecule like 1; minus strand). Cytogenetic location: 11q23.3.
Variant type: single nucleotide variant.
Coding change: c.2144G>A on transcript NM_020693.4 (MANE Select); coding-DNA position 2144, G replaced by A.
Protein change: p.Gly715Asp; replaces glycine 715 with aspartic acid.
Molecular consequence: missense variant.
Genome position (GRCh38, 1-based): chr11:117,504,962, C>T on the plus strand (G>A on the coding strand, the complement: DSCAML1 is on the minus strand). VCF-style: chr11-117504962-C-T. GRCh37 (hg19) VCF-style: chr11-117375677-C-T.
Other names: c.2144G>A, p.Gly715Asp (NM_001367904.1); short protein forms G715D.
Identifiers: ClinVar variation 2119809 (VCV002119809.4), dbSNP rs2543231515, ClinGen allele CA382754585.